The following is an entry in ClinVar:

NM_001127511.3(APC):c.-102C>A

Gene: APC (APC regulator of Wnt signaling pathway; plus strand). Cytogenetic location: 5q22.2.
Variant type: single nucleotide variant.
Coding change: c.-102C>A on transcript NM_001127511.3; 102 bases upstream of the start codon, C replaced by A.
Molecular consequence: 5 prime UTR variant. On other transcripts: non-coding transcript variant (2).
Genome position (GRCh38, 1-based): chr5:112,707,616, C>A. VCF-style: chr5-112707616-C-A. GRCh37 (hg19) VCF-style: chr5-112043313-C-A.
Other names: c.-285C>A (NM_001354895.2, NM_001407447.1, NM_001407452.1 and 3 more transcripts); c.-102C>A (NM_001354897.2, NM_001354902.2, NM_001407446.1); c.-52C>A (NM_001407448.1, NM_001407450.1, NM_001407457.1 and 1 more transcripts); c.-76C>A (NM_001407453.1); c.-1320C>A (NM_001407470.1, NM_001407472.1).
Identifiers: ClinVar variation 2017854 (VCV002017854.4), dbSNP rs2149629810, ClinGen allele CA2580072304.

ClinVar aggregate classification (germline): Uncertain significance (1 of 4 stars; one submission).

Conditions:
Familial adenomatous polyposis 1 (FAP1). Also called: FAMILIAL ADENOMATOUS POLYPOSIS 1, ATTENUATED; POLYPOSIS, ADENOMATOUS INTESTINAL. Identifiers: MedGen C2713442, MONDO:0021056, OMIM 175100. Disease mechanism: loss of function.

Submission:

Labcorp Genetics (formerly Invitae), Labcorp
Classification: Uncertain significance for Familial adenomatous polyposis 1. Last evaluated: 2025-12-08. Review status: criteria provided, single submitter. Criteria: Invitae Variant Classification Sherloc (09022015). Collection method: clinical testing. Allele origin: germline.
Comment: This variant occurs in a non-coding region of the APC gene. It does not change the encoded amino acid sequence of the APC protein. This variant is not present in population databases (gnomAD no frequency). This variant has not been reported in the literature in individuals affected with APC-related conditions. In summary, the available evidence is currently insufficient to determine the role of this variant in disease. Therefore, it has been classified as a Variant of Uncertain Significance.